The following is an entry in ClinVar:

NM_005857.5(ZMPSTE24):c.627+18T>G

Gene: ZMPSTE24 (zinc metallopeptidase STE24; plus strand). Cytogenetic location: 1p34.2.
Variant type: single nucleotide variant.
Coding change: c.627+18T>G on transcript NM_005857.5 (MANE Select); 18 bases into the intron after coding-DNA position 627, T replaced by G.
Molecular consequence: intron variant.
Genome position (GRCh38, 1-based): chr1:40,270,145, T>G. VCF-style: chr1-40270145-T-G. GRCh37 (hg19) VCF-style: chr1-40735817-T-G.
Other names: c.627+18T>G (LRG_212t1).
Identifiers: ClinVar variation 140531 (VCV000140531.9), dbSNP rs16827109, ClinGen allele CA232752.

ClinVar aggregate classification (germline): Benign. Review status: criteria provided, multiple submitters, no conflicts (2 of 4 stars). 5 submissions from 5 submitters: Benign (4). 1 of the submissions does not count toward it. Last evaluated 2026-02-04.

Allele frequency attached by ClinVar (database versions not stated): ESP Exome Variant Server 0.07900; gnomAD 0.08711 and 0.09055; TOPMed 0.09176; gnomAD exomes 0.09902 and 0.10685; ExAC 0.10542; 1000 Genomes Project 0.11542; 1000 Genomes Project 30x 0.11665.
gnomAD v4.1: 158,376 of 1,613,024 alleles (9.8%); highest among the groups gnomAD compares: South Asian, 15%; 8,239 homozygotes.

Submissions (5):

Labcorp Genetics (formerly Invitae), Labcorp
Classification: Benign. Last evaluated: 2026-02-04. Review status: criteria provided, single submitter. Criteria: Invitae Variant Classification Sherloc (09022015). Collection method: clinical testing. Allele origin: germline.

GeneDx
Classification: Benign. Last evaluated: 2019-09-04. Review status: criteria provided, single submitter. Criteria: GeneDx Variant Classification Process June 2021. Collection method: clinical testing. Allele origin: germline. Affected: yes.

Breakthrough Genomics
Classification: Benign. Review status: criteria provided, single submitter. Criteria: ACMG Guidelines, 2015. Collection method: not provided. Allele origin: germline. Inheritance: Autosomal recessive inheritance. Affected: yes.

PreventionGenetics, part of Exact Sciences
Classification: Benign. Review status: criteria provided, single submitter. Criteria: ACMG Guidelines, 2015. Collection method: clinical testing. Allele origin: germline.

ZMPSTE24 homepage - Leiden Muscular Dystrophy pages
No classification provided. Review status: no classification provided. Collection method: not provided. Allele origin: germline. Not counted in ClinVar's aggregate classification.
Comment: no known functional consequence